The following is an entry in ClinVar:

NM_000426.4(LAMA2):c.1661_1662insA (p.Ala555fs)

Gene: LAMA2 (laminin subunit alpha 2; plus strand). Cytogenetic location: 6q22.33.
Variant type: Insertion.
Coding change: c.1661_1662insA on transcript NM_000426.4 (MANE Select); coding-DNA positions 1661 to 1662, A inserted.
Protein change: p.Ala555fs; shifts the reading frame from alanine 555.
Molecular consequence: frameshift variant.
Genome position: GRCh38 VCF-style: chr6-129192732-T-TA. GRCh37 (hg19) VCF-style: chr6-129513877-T-TA.
Other names: c.1661_1662insA, p.Ala555fs (NM_001079823.2); short protein forms A555fs.
Identifiers: ClinVar variation 4692370 (VCV004692370.1).

ClinVar aggregate classification (germline): Pathogenic (1 of 4 stars; one submission).

Conditions:
LAMA2-related muscular dystrophy (LAMA2-RD). Also called: Laminin alpha 2-related dystrophy. Identifiers: MedGen C5679788, MONDO:0100228.

Submission:

Labcorp Genetics (formerly Invitae), Labcorp
Classification: Pathogenic for LAMA2-related muscular dystrophy. Last evaluated: 2025-03-23. Review status: criteria provided, single submitter. Criteria: Invitae Variant Classification Sherloc (09022015). Collection method: clinical testing. Allele origin: germline.
Comment: This sequence change creates a premature translational stop signal (p.Ala555Glyfs*17) in the LAMA2 gene. It is expected to result in an absent or disrupted protein product. Loss-of-function variants in LAMA2 are known to be pathogenic (PMID: 18700894, 32904964). This variant is not present in population databases (gnomAD no frequency). This variant has not been reported in the literature in individuals affected with LAMA2-related conditions. For these reasons, this variant has been classified as Pathogenic.

Literature cited by the submitters: PubMed 18700894; PubMed 32904964.